The following is an entry in ClinVar:

ClinVar aggregate classification (germline): Conflicting classifications of pathogenicity. Review status: criteria provided, conflicting classifications (1 of 4 stars). 8 submissions from 8 submitters: Uncertain significance (1); Benign (1); Likely benign (6). Last evaluated 2026-06-01.

Conditions:
Cardiovascular phenotype. Identifiers: MedGen CN230736.
Myofibrillar myopathy 5. Also called: Filaminopathy (type); FILAMINOPATHY, AUTOSOMAL DOMINANT. Identifiers: Orphanet 171445, MedGen C1836050, MONDO:0012289, OMIM 609524.
Distal myopathy with posterior leg and anterior hand involvement. Also called: WILLIAMS DISTAL MYOPATHY. Identifiers: Orphanet 63273, MedGen C3279722, MONDO:0013550, OMIM 614065.
Hypertrophic cardiomyopathy 26. Also called: Cardiomyopathy, familial hypertrophic, 26. Identifiers: Orphanet 75249, MedGen C4310749, MONDO:0014883, OMIM 617047.

Allele frequency attached by ClinVar (database versions not stated): TOPMed 0.00024; ESP Exome Variant Server 0.00047; ExAC 0.00014; gnomAD exomes 0.00016.
gnomAD v4.1: 279 of 1,613,938 alleles (0.017%); highest among the groups gnomAD compares: African/African-American, 0.053%; no homozygotes.

Submissions (8):

Women's Health and Genetics/Laboratory Corporation of America, LabCorp
Classification: Likely benign. Last evaluated: 2026-06-01. Review status: criteria provided, single submitter. Criteria: LabCorp Variant Classification Summary - May 2015. Collection method: clinical testing. Allele origin: germline.
Comment: Variant summary: FLNC c.1081C>T (p.Arg361Cys) results in a non-conservative amino acid change in the encoded protein sequence. Algorithms developed to predict the effect of missense changes on protein structure and function are either unavailable or do not agree on the potential impact of this missense change. The variant allele was found at a frequency of 0.00016 in 249556 control chromosomes. The observed variant frequency exceeds the estimated maximal expected allele frequency for disease-causing variants in FLNC. To our knowledge, no occurrence of c.1081C>T in individuals affected with FLNC-related conditions and no experimental evidence demonstrating its impact on protein function have been reported. ClinVar contains an entry for this variant (Variation ID: 441151). Based on the evidence outlined above, the variant was classified as likely benign.

Labcorp Genetics (formerly Invitae), Labcorp
Classification: Benign for Distal myopathy with posterior leg and anterior hand involvement; Myofibrillar myopathy 5; Hypertrophic cardiomyopathy 26. Last evaluated: 2026-01-26. Review status: criteria provided, single submitter. Criteria: Invitae Variant Classification Sherloc (09022015). Collection method: clinical testing. Allele origin: germline.

Molecular Diagnostic Laboratory for Inherited Cardiovascular Disease, Montreal Heart Institute
Classification: Likely benign. Last evaluated: 2025-04-09. Review status: criteria provided, single submitter. Criteria: ACMG Guidelines, 2015. Collection method: clinical testing. Allele origin: germline. Affected: no.
Comment: BS1, BP6

Blueprint Genetics
Classification: Likely benign. Last evaluated: 2024-07-30. Review status: criteria provided, single submitter. Criteria: ACMG Guidelines, 2015. Collection method: clinical testing. Allele origin: germline.

Revvity Omics, Revvity
Classification: Likely benign. Last evaluated: 2024-04-25. Review status: criteria provided, single submitter. Criteria: ACMG Guidelines, 2015. Collection method: clinical testing. Allele origin: germline.

Ambry Genetics
Classification: Likely benign for Cardiovascular phenotype. Last evaluated: 2023-11-16. Review status: criteria provided, single submitter. Criteria: Ambry Variant Classification Scheme 2023. Collection method: clinical testing. Allele origin: germline.

GeneDx
Classification: Likely benign. Last evaluated: 2019-11-08. Review status: criteria provided, single submitter. Criteria: GeneDx Variant Classification Process June 2021. Collection method: clinical testing. Allele origin: germline. Affected: yes.
Comment: In silico analysis, which includes protein predictors and evolutionary conservation, supports a deleterious effect; Reported in ClinVar as a variant of uncertain significance (ClinVar Variant ID 441151; Landrum et al., 2016); Has not been previously published as pathogenic or benign to our knowledge; This variant is associated with the following publications: (PMID: 28492532, 25741868)

Fulgent Genetics
Classification: Uncertain significance for Myofibrillar myopathy 5; Distal myopathy with posterior leg and anterior hand involvement; Hypertrophic cardiomyopathy 26. Last evaluated: 2018-10-31. Review status: criteria provided, single submitter. Criteria: ACMG Guidelines, 2015. Collection method: clinical testing. Allele origin: unknown.

Literature cited by the submitters: PubMed 26555887 (cited by Ambry Genetics); PubMed 33815637 (cited by Ambry Genetics).

NM_001458.5(FLNC):c.1081C>T (p.Arg361Cys)

Gene: FLNC (filamin C; plus strand). Cytogenetic location: 7q32.1.
Variant type: single nucleotide variant.
Coding change: c.1081C>T on transcript NM_001458.5 (MANE Select); coding-DNA position 1081, C replaced by T.
Protein change: p.Arg361Cys; replaces arginine 361 with cysteine.
Molecular consequence: missense variant.
Genome position (GRCh38, 1-based): chr7:128,838,300, C>T. VCF-style: chr7-128838300-C-T. GRCh37 (hg19) VCF-style: chr7-128478354-C-T.
Other names: c.1081C>T, p.Arg361Cys (NM_001127487.2); short protein forms R361C.
Identifiers: ClinVar variation 441151 (VCV000441151.26), dbSNP rs200206944, ClinGen allele CA4474229.